The following is an entry in ClinVar:

NM_006361.6(HOXB13):c.175C>A (p.Pro59Thr)

Gene: HOXB13 (homeobox B13; minus strand). Cytogenetic location: 17q21.32.
Variant type: single nucleotide variant.
Coding change: c.175C>A on transcript NM_006361.6 (MANE Select); coding-DNA position 175, C replaced by A.
Protein change: p.Pro59Thr; replaces proline 59 with threonine.
Molecular consequence: missense variant.
Genome position (GRCh38, 1-based): chr17:48,728,419, G>T on the plus strand (C>A on the coding strand, the complement: HOXB13 is on the minus strand). VCF-style: chr17-48728419-G-T. GRCh37 (hg19) VCF-style: chr17-46805781-G-T.
Other names: short protein forms P59T.
Identifiers: ClinVar variation 819998 (VCV000819998.4), dbSNP rs1597934900, ClinGen allele CA400108971.
Genomic context (GRCh38, chr17:48,728,419, plus strand): 5'-GCACGGGAGCTGGGGACGTCCCCTGGGGCACCCCAGGGCATGGGTGGCATTGCTTTGGCG[G>T]CTCCGCCGAGCCTGGCAGATCCAAGGGGGCATAGTTGACAGCAGGCATCAGCGTAGGCGC-3'
Protein context (NP_006352.2, residues 49-69): APLDLPGSAE[Pro59Thr]PKQCHPCPGV

ClinVar aggregate classification (germline): Uncertain significance (1 of 4 stars; one submission).

Conditions:
Hereditary cancer-predisposing syndrome. Also called: Neoplastic Syndromes, Hereditary; Tumor predisposition; Hereditary Cancer Syndrome; Hereditary neoplastic syndrome. Identifiers: Orphanet 140162, MedGen C0027672, MeSH D009386, MONDO:0015356.

Submission:

Ambry Genetics
Classification: Uncertain significance for Hereditary cancer-predisposing syndrome. Last evaluated: 2019-11-12. Review status: criteria provided, single submitter. Criteria: Ambry Variant Classification Scheme 2023. Collection method: clinical testing. Allele origin: germline.
Comment: The p.P59T variant (also known as c.175C>A), located in coding exon 1 of the HOXB13 gene, results from a C to A substitution at nucleotide position 175. The proline at codon 59 is replaced by threonine, an amino acid with highly similar properties. This amino acid position is well conserved in available vertebrate species. In addition, this alteration is predicted to be tolerated by in silico analysis. Since supporting evidence is limited at this time, the clinical significance of this alteration remains unclear.